The following is an entry in ClinVar:

ClinVar aggregate classification (germline): Uncertain significance (1 of 4 stars; one submission).

Conditions:
Cardiovascular phenotype. Identifiers: MedGen CN230736.

Submission:

Ambry Genetics
Classification: Uncertain significance for Cardiovascular phenotype. Last evaluated: 2025-12-16. Review status: criteria provided, single submitter. Criteria: Ambry Variant Classification Scheme 2023. Collection method: clinical testing. Allele origin: germline.
Comment: The p.M888L variant (also known as c.2662A>C), located in coding exon 18 of the ABCA1 gene, results from an A to C substitution at nucleotide position 2662. The methionine at codon 888 is replaced by leucine, an amino acid with highly similar properties. This amino acid position is conserved. In addition, this alteration is predicted to be tolerated by in silico analysis. Based on the available evidence, the clinical significance of this variant remains unclear.

NM_005502.4(ABCA1):c.2662A>C (p.Met888Leu)

Gene: ABCA1 (ATP binding cassette subfamily A member 1; minus strand). Cytogenetic location: 9q31.1.
Variant type: single nucleotide variant.
Coding change: c.2662A>C on transcript NM_005502.4 (MANE Select); coding-DNA position 2662, A replaced by C.
Protein change: p.Met888Leu; replaces methionine 888 with leucine.
Molecular consequence: missense variant.
Genome position (GRCh38, 1-based): chr9:104,822,662, T>G on the plus strand (A>C on the coding strand, the complement: ABCA1 is on the minus strand). VCF-style: chr9-104822662-T-G. GRCh37 (hg19) VCF-style: chr9-107584943-T-G.
Other names: short protein forms M888L.
Identifiers: ClinVar variation 4843944 (VCV004843944.1).